The following is an entry in ClinVar:

ClinVar aggregate classification (germline): Pathogenic. Review status: reviewed by expert panel (3 of 4 stars). 10 submissions from 10 submitters: Pathogenic (1). 9 of the submissions do not count toward it. Last evaluated 2016-09-08.

Conditions:
Hereditary cancer-predisposing syndrome. Also called: Neoplastic Syndromes, Hereditary; Tumor predisposition; Hereditary Cancer Syndrome; Hereditary neoplastic syndrome. Identifiers: Orphanet 140162, MedGen C0027672, MeSH D009386, MONDO:0015356.
Hereditary breast ovarian cancer syndrome. Also called: Hereditary breast and ovarian cancer syndrome; Hereditary breast and ovarian cancer; Hereditary breast and ovarian cancer syndrome (HBOC); Breast and ovarian cancer; Hereditary breast and/or ovarian cancer syndrome; BRCA1- and BRCA2-Associated Hereditary Breast and Ovarian Cancer. Identifiers: Orphanet 145, MedGen C0677776, MeSH D061325, MONDO:0003582. Disease mechanism: loss of function.
Breast-ovarian cancer, familial, susceptibility to, 2 (BROVCA2). Also called: BRCA2 Hereditary Breast and Ovarian Cancer. Identifiers: Orphanet 145, MedGen C2675520, MONDO:0012933, OMIM 612555. Disease mechanism: loss of function.

Submissions (10):

Evidence-based Network for the Interpretation of Germline Mutant Alleles (ENIGMA)
Classification: Pathogenic for Breast-ovarian cancer, familial, susceptibility to, 2. Last evaluated: 2016-09-08. Review status: reviewed by expert panel. Criteria: ENIGMA BRCA1/2 Classification Criteria (2015). Collection method: curation. Allele origin: germline.
Comment: Variant allele predicted to encode a truncated non-functional protein.

Labcorp Genetics (formerly Invitae), Labcorp
Classification: Pathogenic for Hereditary breast ovarian cancer syndrome. Last evaluated: 2025-08-03. Review status: criteria provided, single submitter. Criteria: Invitae Variant Classification Sherloc (09022015). Collection method: clinical testing. Allele origin: germline. Not counted in ClinVar's aggregate classification.
Comment: This sequence change creates a premature translational stop signal (p.Phe1305Leufs*30) in the BRCA2 gene. It is expected to result in an absent or disrupted protein product. Loss-of-function variants in BRCA2 are known to be pathogenic (PMID: 20104584). This variant is not present in population databases (gnomAD no frequency). This premature translational stop signal has been observed in individual(s) with hereditary breast and ovarian cancer (PMID: 22762150, 22984553, 23772696, 24156927, 26014432, 29446198). This variant is also known as 4143delT. ClinVar contains an entry for this variant (Variation ID: 51562). For these reasons, this variant has been classified as Pathogenic.

Ambry Genetics
Classification: Pathogenic for Hereditary cancer-predisposing syndrome. Last evaluated: 2025-04-10. Review status: criteria provided, single submitter. Criteria: Ambry Variant Classification Scheme 2023. Collection method: clinical testing. Allele origin: germline. Not counted in ClinVar's aggregate classification.
Comment: The c.3915delT pathogenic mutation, located in coding exon 10 of the BRCA2 gene, results from a deletion of one nucleotide at nucleotide position 3915, causing a translational frameshift with a predicted alternate stop codon (p.F1305Lfs*30). This variant has been reported in French and Austrian BRCA1/2-positive cohorts (Lecarpentier J et al. Breast Cancer Res., 2012 Jul;14:R99; Tea MK et al. Maturitas, 2014 Jan;77:68-72; Singer CF et al. Clin. Genet., 2014 Jan;85:72-5). Of note, this alteration is also designated as 4143delT in published literature. In addition to the clinical data presented in the literature, this alteration is expected to result in loss of function by premature protein truncation or nonsense-mediated mRNA decay. As such, this alteration is interpreted as a disease-causing mutation.

Color Diagnostics, LLC DBA Color Health
Classification: Pathogenic for Hereditary cancer-predisposing syndrome. Last evaluated: 2023-11-06. Review status: criteria provided, single submitter. Criteria: ACMG Guidelines, 2015. Collection method: clinical testing. Allele origin: germline. Not counted in ClinVar's aggregate classification.
Comment: This variant deletes 1 nucleotide in exon 11 of the BRCA2 gene, creating a frameshift and premature translation stop signal. This variant is expected to result in an absent or non-functional protein product. This variant has been reported in individuals with a personal or family history of BRCA2-related cancers (PMID: 24156927, 26014432), including 12 families among the CIMBA participants (PMID: 29446198). This variant has not been identified in the general population by the Genome Aggregation Database (gnomAD). Loss of BRCA2 function is a known mechanism of disease. Based on the available evidence, this variant is classified as Pathogenic.

Women's Health and Genetics/Laboratory Corporation of America, LabCorp
Classification: Pathogenic for Hereditary breast ovarian cancer syndrome. Last evaluated: 2021-01-11. Review status: criteria provided, single submitter. Criteria: LabCorp Variant Classification Summary - May 2015. Collection method: clinical testing. Allele origin: germline. Not counted in ClinVar's aggregate classification.
Comment: Variant summary: BRCA2 c.3915delT (p.Phe1305LeufsX30) results in a premature termination codon, predicted to cause a truncation of the encoded protein or absence of the protein due to nonsense mediated decay, which are commonly known mechanisms for disease. Truncations downstream of this position have been classified as pathogenic by our laboratory. The variant was absent in 208654 control chromosomes. c.3915delT has been reported in the literature in multiple individuals affected with Hereditary Breast And Ovarian Cancer Syndrome (example, Rebbeck_2018). These data indicate that the variant is very likely to be associated with disease. To our knowledge, no experimental evidence demonstrating an impact on protein function has been reported. Four clinical diagnostic laboratories, one consotrium (CIMBA) and one expert panel (ENIGMA) have submitted clinical-significance assessments for this variant to ClinVar after 2014 without evidence for independent evaluation. All submitters classified the variant as pathogenic. Based on the evidence outlined above, the variant was classified as pathogenic.

Quest Diagnostics Nichols Institute San Juan Capistrano
Classification: Pathogenic. Last evaluated: 2017-04-15. Review status: criteria provided, single submitter. Criteria: Quest Diagnostics criteria. Collection method: clinical testing. Allele origin: germline. Not counted in ClinVar's aggregate classification.

Consortium of Investigators of Modifiers of BRCA1/2 (CIMBA), c/o University of Cambridge
Classification: Pathogenic for Breast-ovarian cancer, familial, susceptibility to, 2. Last evaluated: 2015-10-02. Review status: criteria provided, single submitter. Criteria: CIMBA Mutation Classification guidelines May 2016. Collection method: clinical testing. Allele origin: germline. Not counted in ClinVar's aggregate classification.

Institute of Human Genetics, Medical University Innsbruck
Classification: Pathogenic for Breast-ovarian cancer, familial 2. Last evaluated: 2015-02-11. Review status: no assertion criteria provided. Criteria: clinical testing. Collection method: clinical testing. Allele origin: germline. Affected: yes. Study: BRCA-Tyrol. Not counted in ClinVar's aggregate classification.
Comment: BRCA-mutation spectrum Western Austria

Research Molecular Genetics Laboratory, Women's College Hospital, University of Toronto
Classification: Pathogenic for Hereditary breast ovarian cancer syndrome. Last evaluated: 2014-01-31. Review status: no assertion criteria provided. Collection method: research. Allele origin: germline. Affected: yes. Study: The Canadian Open Genetics Repository (COGR). Not counted in ClinVar's aggregate classification.

Sharing Clinical Reports Project (SCRP)
Classification: Pathogenic for Breast-ovarian cancer, familial 2. Last evaluated: 2012-07-02. Review status: no assertion criteria provided. Collection method: clinical testing. Allele origin: germline. Not counted in ClinVar's aggregate classification.

Literature cited by the submitters: PubMed 20104584 (cited by Labcorp Genetics (formerly Invitae), Labcorp); PubMed 22762150 (cited by 3 submitters); PubMed 22984553 (cited by Labcorp Genetics (formerly Invitae), Labcorp and Ambry Genetics); PubMed 23772696 (cited by 3 submitters); PubMed 24156927 (cited by 4 submitters); PubMed 26014432 (cited by 3 submitters); PubMed 29446198 (cited by 3 submitters).

NM_000059.4(BRCA2):c.3915del (p.Phe1305fs)

Gene: BRCA2 (BRCA2 DNA repair associated; plus strand). Cytogenetic location: 13q13.1.
Variant type: Deletion.
Coding change: c.3915del on transcript NM_000059.4 (MANE Select); coding-DNA position 3915, one base deleted (T; older notation c.3915delT).
Protein change: p.Phe1305fs; shifts the reading frame from phenylalanine 1305.
Molecular consequence: frameshift variant.
Genome position (GRCh38, 1-based): chr13:32,338,270, T deleted; the last of 4 consecutive T bases (chr13:32,338,267-32,338,270); deleting any one gives the same sequence. VCF-style (leftmost placement, unchanged base first): chr13-32338266-CT-C. GRCh37 (hg19) VCF-style: chr13-32912403-CT-C.
Other names: 4143delT; c.3915delT (NM_000059.3).
Identifiers: ClinVar variation 51562 (VCV000051562.21), dbSNP rs397507698, ClinGen allele CA019164.